The following is an entry in ClinVar:

NM_001199753.2(CPT1C):c.974G>A (p.Arg325His)

Gene: CPT1C (carnitine palmitoyltransferase 1C; plus strand). Cytogenetic location: 19q13.33.
Variant type: single nucleotide variant.
Coding change: c.974G>A on transcript NM_001199753.2 (MANE Select); coding-DNA position 974, G replaced by A.
Protein change: p.Arg325His; replaces arginine 325 with histidine.
Molecular consequence: missense variant. On other transcripts: non-coding transcript variant (1).
Genome position (GRCh38, 1-based): chr19:49,705,918, G>A. VCF-style: chr19-49705918-G-A. GRCh37 (hg19) VCF-style: chr19-50209175-G-A.
Other names: c.974G>A (NM_001199752.1); c.1040G>A, p.Arg347His (NM_001378482.1); c.974G>A, p.Arg325His (NM_001378483.1, NM_001378484.1, NM_001378486.1 and 3 more transcripts); c.941G>A, p.Arg314His (NM_001378485.1, NM_001378487.1, NM_001136052.3); short protein forms R314H, R325H, R347H.
Identifiers: ClinVar variation 2045990 (VCV002045990.6), dbSNP rs112761335, ClinGen allele CA9582042.

ClinVar aggregate classification (germline): Uncertain significance. Review status: criteria provided, multiple submitters, no conflicts (2 of 4 stars). 2 submissions from 2 submitters: Uncertain significance (2). Last evaluated 2024-10-30.

Conditions:
Hereditary spastic paraplegia 73. Also called: Spastic paraplegia 73, autosomal dominant. Identifiers: Orphanet 444099, MedGen C5568981, MONDO:0014568, OMIM 616282.

Allele frequency attached by ClinVar (database versions not stated): gnomAD 0.00005; TOPMed 0.00009; gnomAD exomes 0.00002; ExAC 0.00003.
gnomAD v4.1: 47 of 1,612,676 alleles (0.0029%); highest among the groups gnomAD compares: African/African-American, 0.02%; no homozygotes.

Submissions (2):

Labcorp Genetics (formerly Invitae), Labcorp
Classification: Uncertain significance for Hereditary spastic paraplegia 73. Last evaluated: 2024-10-30. Review status: criteria provided, single submitter. Criteria: Invitae Variant Classification Sherloc (09022015). Collection method: clinical testing. Allele origin: germline.
Comment: This sequence change replaces arginine, which is basic and polar, with histidine, which is basic and polar, at codon 314 of the CPT1C protein (p.Arg314His). This variant is present in population databases (rs112761335, gnomAD 0.02%). This variant has not been reported in the literature in individuals affected with CPT1C-related conditions. ClinVar contains an entry for this variant (Variation ID: 2045990). Invitae Evidence Modeling of protein sequence and biophysical properties (such as structural, functional, and spatial information, amino acid conservation, physicochemical variation, residue mobility, and thermodynamic stability) indicates that this missense variant is not expected to disrupt CPT1C protein function with a negative predictive value of 80%. In summary, the available evidence is currently insufficient to determine the role of this variant in disease. Therefore, it has been classified as a Variant of Uncertain Significance.

Ambry Genetics
Classification: Uncertain significance. Last evaluated: 2023-08-18. Review status: criteria provided, single submitter. Criteria: Ambry Variant Classification Scheme 2023. Collection method: clinical testing. Allele origin: germline.